The following is an entry in ClinVar:

NM_001035.3(RYR2):c.14590+171G>A

Gene: RYR2 (ryanodine receptor 2; plus strand). Cytogenetic location: 1q43.
Variant type: single nucleotide variant.
Coding change: c.14590+171G>A on transcript NM_001035.3 (MANE Select); 171 bases into the intron after coding-DNA position 14590, G replaced by A.
Molecular consequence: intron variant.
Genome position (GRCh38, 1-based): chr1:237,819,363, G>A. VCF-style: chr1-237819363-G-A. GRCh37 (hg19) VCF-style: chr1-237982663-G-A.
Identifiers: ClinVar variation 672954 (VCV000672954.1), dbSNP rs74376530, ClinGen allele CA39850632.

ClinVar aggregate classification (germline): Benign (1 of 4 stars; one submission).

Allele frequency attached by ClinVar (database versions not stated): gnomAD 0.05963 and 0.06397; TOPMed 0.06735; 1000 Genomes Project 0.06789; 1000 Genomes Project 30x 0.07495.
gnomAD v4.1: 8,982 of 152,116 alleles (5.9%); highest among the groups gnomAD compares: African/African-American, 20%; 859 homozygotes.

Submission:

GeneDx
Classification: Benign. Last evaluated: 2018-06-14. Review status: criteria provided, single submitter. Criteria: GeneDx Variant Classification (06012015). Collection method: clinical testing. Allele origin: germline. Affected: yes.
Comment: This variant is considered likely benign or benign based on one or more of the following criteria: it is a conservative change, it occurs at a poorly conserved position in the protein, it is predicted to be benign by multiple in silico algorithms, and/or has population frequency not consistent with disease.